The following is an entry in ClinVar:

ClinVar aggregate classification (germline): Likely benign. Review status: criteria provided, multiple submitters, no conflicts (2 of 4 stars). 2 submissions from 2 submitters: Likely benign (2). Last evaluated 2023-06-14.

Conditions:
Cardiovascular phenotype. Identifiers: MedGen CN230736.

Allele frequency attached by ClinVar (database versions not stated): gnomAD exomes below 0.00001.
gnomAD v4.1: 24 of 1,613,752 alleles (0.0015%); highest among the groups gnomAD compares: South Asian, 0.0077%; no homozygotes.

Submissions (2):

Ambry Genetics
Classification: Likely benign for Cardiovascular phenotype. Last evaluated: 2023-06-14. Review status: criteria provided, single submitter. Criteria: Ambry Variant Classification Scheme 2023. Collection method: clinical testing. Allele origin: germline.

GeneDx
Classification: Likely benign. Last evaluated: 2017-03-13. Review status: criteria provided, single submitter. Criteria: GeneDx Variant Classification (06012015). Collection method: clinical testing. Allele origin: germline. Affected: yes.
Comment: This variant is considered likely benign or benign based on one or more of the following criteria: it is a conservative change, it occurs at a poorly conserved position in the protein, it is predicted to be benign by multiple in silico algorithms, and/or has population frequency not consistent with disease.

NM_017636.4(TRPM4):c.3315C>T (p.Ala1105=)

Gene: TRPM4 (transient receptor potential cation channel subfamily M member 4; plus strand). Cytogenetic location: 19q13.33.
Variant type: single nucleotide variant.
Coding change: c.3315C>T on transcript NM_017636.4 (MANE Select); coding-DNA position 3315, C replaced by T.
Protein change: p.Ala1105=; no amino-acid change (alanine 1105 retained).
Molecular consequence: synonymous variant.
Genome position (GRCh38, 1-based): chr19:49,210,392, C>T. VCF-style: chr19-49210392-C-T. GRCh37 (hg19) VCF-style: chr19-49713649-C-T.
Other names: c.2880C>T, p.Ala960= (NM_001195227.2); c.2970C>T, p.Ala990= (NM_001321281.2); c.1707C>T, p.Ala569= (NM_001321282.2); c.2793C>T, p.Ala931= (NM_001321283.2); c.2253C>T, p.Ala751= (NM_001321285.2).
Identifiers: ClinVar variation 507978 (VCV000507978.3), dbSNP rs982072766, ClinGen allele CA508094794.